The following is an entry in ClinVar:

ClinVar aggregate classification (germline): Likely benign (1 of 4 stars; one submission).

Conditions:
CYS1-related condition.

gnomAD v4.1: 4 of 1,049,688 alleles (0.00038%); highest among the groups gnomAD compares: East Asian, 0.032%; no homozygotes.

Submission:

PreventionGenetics, part of Exact Sciences
Classification: Likely benign for CYS1-related condition. Last evaluated: 2025-04-06. Review status: criteria provided, single submitter. Criteria: ACMG Guidelines, 2015. Collection method: clinical testing. Allele origin: germline.
Comment: This variant is classified as likely benign based on ACMG/AMP sequence variant interpretation guidelines (Richards et al. 2015 PMID: 25741868, with internal and published modifications).

NM_001037160.3(CYS1):c.-1C>T

Gene: CYS1 (cystin 1; minus strand). Cytogenetic location: 2p25.1.
Variant type: single nucleotide variant.
Coding change: c.-1C>T on transcript NM_001037160.3 (MANE Select); 1 bases upstream of the start codon, C replaced by T.
Molecular consequence: 5 prime UTR variant.
Genome position (GRCh38, 1-based): chr2:10,080,224, G>A on the plus strand (C>T on the coding strand, the complement: CYS1 is on the minus strand). VCF-style: chr2-10080224-G-A. GRCh37 (hg19) VCF-style: chr2-10220351-G-A.
Identifiers: ClinVar variation 4982338 (VCV004982338.1).